The following is an entry in ClinVar:

NM_000038.6(APC):c.531+2338G>A

Gene: APC (APC regulator of WNT signaling pathway; plus strand). Cytogenetic location: 5q22.2.
Variant type: single nucleotide variant.
Coding change: c.531+2338G>A on transcript NM_000038.6 (MANE Select); 2338 bases into the intron after coding-DNA position 531, G replaced by A.
Molecular consequence: intron variant.
Genome position (GRCh38, 1-based): chr5:112,778,075, G>A. VCF-style: chr5-112778075-G-A. GRCh37 (hg19) VCF-style: chr5-112113772-G-A.
Other names: c.531+2338G>A (NM_001354895.2, NM_001127510.3, NM_001354896.2 and 2 more transcripts); c.561+2338G>A (NM_001354897.2, NM_001354902.2, NM_001127511.3); c.456+2338G>A (NM_001354898.2, NM_001354904.2); c.-505+2338G>A (NM_001354906.2); c.354+2338G>A (NM_001354900.2, NM_001354901.2, NM_001354905.2).
Identifiers: ClinVar variation 82927 (VCV000082927.2), dbSNP rs414098, ClinGen allele CA010171.

ClinVar aggregate classification (germline): other (0 of 4 stars; one submission).

Conditions:
Familial colorectal cancer. Identifiers: MedGen CN280943, MONDO:0023113. Disease mechanism: loss of function.

Allele frequency attached by ClinVar (database versions not stated): gnomAD 0.38725 and 0.40093; TOPMed 0.40618; 1000 Genomes Project 30x 0.43145; 1000 Genomes Project 0.43610; gnomAD exomes 0.49761.
gnomAD v4.1: 88,489 of 207,008 alleles (43%); highest among the groups gnomAD compares: East Asian, 66%; 21,992 homozygotes.

Submission:

Systems Biology Platform Zhejiang California International NanoSystems Institute
Classification: other for Familial colorectal cancer. Review status: no assertion criteria provided. Collection method: not provided. Allele origin: unknown.
ClinVar note: Converted during submission from cancer to other.